The following is an entry in ClinVar:

ClinVar aggregate classification (germline): Conflicting classifications of pathogenicity. Review status: criteria provided, conflicting classifications (1 of 4 stars). 3 submissions from 3 submitters: Uncertain significance (1); Benign (1); Likely benign (1). Last evaluated 2026-01-07.

Conditions:
Autosomal dominant limb-girdle muscular dystrophy type 1G (LGMDD3). Also called: Limb-girdle muscular dystrophy, type 1G; MUSCULAR DYSTROPHY, LIMB-GIRDLE, AUTOSOMAL DOMINANT 3. Identifiers: Orphanet 55596, MedGen C1836765, MONDO:0012193, OMIM 609115.

Allele frequency attached by ClinVar (database versions not stated): ESP Exome Variant Server 0.00023; TOPMed 0.00042; 1000 Genomes Project 30x 0.00094; 1000 Genomes Project 0.00100.

Submissions (3):

Labcorp Genetics (formerly Invitae), Labcorp
Classification: Likely benign for Autosomal dominant limb-girdle muscular dystrophy type 1G. Last evaluated: 2026-01-07. Review status: criteria provided, single submitter. Criteria: Invitae Variant Classification Sherloc (09022015). Collection method: clinical testing. Allele origin: germline.

Ambry Genetics
Classification: Uncertain significance. Last evaluated: 2024-03-07. Review status: criteria provided, single submitter. Criteria: Ambry Variant Classification Scheme 2023. Collection method: clinical testing. Allele origin: germline.

Mayo Clinic Laboratories, Mayo Clinic
Classification: Benign. Last evaluated: 2023-04-21. Review status: criteria provided, single submitter. Criteria: ACMG Guidelines, 2015. Collection method: clinical testing. Allele origin: germline. Observed: 3 variant alleles.
Comment: BS1, BS2, BP4

NM_031372.4(HNRNPDL):c.248C>T (p.Pro83Leu)

Gene: HNRNPDL (heterogeneous nuclear ribonucleoprotein D like; minus strand). Cytogenetic location: 4q21.22.
Variant type: single nucleotide variant.
Coding change: c.248C>T on transcript NM_031372.4 (MANE Select); coding-DNA position 248, C replaced by T.
Protein change: p.Pro83Leu; replaces proline 83 with leucine.
Molecular consequence: missense variant. On other transcripts: non-coding transcript variant (1).
Genome position (GRCh38, 1-based): chr4:82,429,443, G>A on the plus strand (C>T on the coding strand, the complement: HNRNPDL is on the minus strand). VCF-style: chr4-82429443-G-A. GRCh37 (hg19) VCF-style: chr4-83350596-G-A.
Other names: p.Pro83Leu; c.248C>T, p.Pro83Leu (NM_001207000.1); short protein forms P83L.
Identifiers: ClinVar variation 533022 (VCV000533022.14), dbSNP rs201774571, ClinGen allele CA2985104.